The following is an entry in ClinVar:

NM_001458.5(FLNC):c.2483C>A (p.Thr828Asn)

Gene: FLNC (filamin C; plus strand). Cytogenetic location: 7q32.1.
Variant type: single nucleotide variant.
Coding change: c.2483C>A on transcript NM_001458.5 (MANE Select); coding-DNA position 2483, C replaced by A.
Protein change: p.Thr828Asn; replaces threonine 828 with asparagine.
Molecular consequence: missense variant.
Genome position (GRCh38, 1-based): chr7:128,842,887, C>A. VCF-style: chr7-128842887-C-A. GRCh37 (hg19) VCF-style: chr7-128482941-C-A.
Other names: c.2483C>A, p.Thr828Asn (NM_001127487.2); short protein forms T828N.
Identifiers: ClinVar variation 3753283 (VCV003753283.3).

ClinVar aggregate classification (germline): Uncertain significance. Review status: criteria provided, multiple submitters, no conflicts (2 of 4 stars). 2 submissions from 2 submitters: Uncertain significance (2). Last evaluated 2025-09-02.

Conditions:
Myofibrillar myopathy 5. Also called: Filaminopathy (type); FILAMINOPATHY, AUTOSOMAL DOMINANT. Identifiers: Orphanet 171445, MedGen C1836050, MONDO:0012289, OMIM 609524.
Distal myopathy with posterior leg and anterior hand involvement. Also called: WILLIAMS DISTAL MYOPATHY. Identifiers: Orphanet 63273, MedGen C3279722, MONDO:0013550, OMIM 614065.
Hypertrophic cardiomyopathy 26. Also called: Cardiomyopathy, familial hypertrophic, 26. Identifiers: Orphanet 75249, MedGen C4310749, MONDO:0014883, OMIM 617047.

gnomAD v4.1: 10 of 1,613,966 alleles (0.00062%); highest among the groups gnomAD compares: South Asian, 0.0011%; no homozygotes.

Submissions (2):

Labcorp Genetics (formerly Invitae), Labcorp
Classification: Uncertain significance for Distal myopathy with posterior leg and anterior hand involvement; Myofibrillar myopathy 5; Hypertrophic cardiomyopathy 26. Last evaluated: 2025-09-02. Review status: criteria provided, single submitter. Criteria: Invitae Variant Classification Sherloc (09022015). Collection method: clinical testing. Allele origin: germline.
Comment: This sequence change replaces threonine, which is neutral and polar, with asparagine, which is neutral and polar, at codon 828 of the FLNC protein (p.Thr828Asn). This variant is present in population databases (rs752387883, gnomAD 0.002%). This variant has not been reported in the literature in individuals affected with FLNC-related conditions. ClinVar contains an entry for this variant (Variation ID: 3753283). Invitae Evidence Modeling of protein sequence and biophysical properties (such as structural, functional, and spatial information, amino acid conservation, physicochemical variation, residue mobility, and thermodynamic stability) has been performed for this missense variant. However, the output from this modeling did not meet the statistical confidence thresholds required to predict the impact of this variant on FLNC protein function. In summary, the available evidence is currently insufficient to determine the role of this variant in disease. Therefore, it has been classified as a Variant of Uncertain Significance.

GeneDx
Classification: Uncertain significance. Last evaluated: 2024-11-26. Review status: criteria provided, single submitter. Criteria: GeneDx Variant Classification Process June 2021. Collection method: clinical testing. Allele origin: germline. Affected: yes.
Comment: Not observed at significant frequency in large population cohorts (gnomAD); In silico analysis supports that this missense variant has a deleterious effect on protein structure/function; Has not been previously published as pathogenic or benign to our knowledge